The following is an entry in ClinVar:

ClinVar aggregate classification (germline): Uncertain significance (1 of 4 stars; one submission).

Conditions:
Charcot-Marie-Tooth disease recessive intermediate C. Also called: CHARCOT-MARIE-TOOTH NEUROPATHY, RECESSIVE INTERMEDIATE C. Identifiers: Orphanet 369867, MedGen C3809309, MONDO:0014154, OMIM 615376.
Neuronopathy, distal hereditary motor, autosomal recessive 4. Also called: Autosomal recessive lower motor neuron disease with childhood onset; NEUROPATHY, DISTAL HEREDITARY MOTOR, AUTOSOMAL RECESSIVE 4. Identifiers: Orphanet 206580, MedGen C1970211, MONDO:0012608, OMIM 611067.

Submission:

Labcorp Genetics (formerly Invitae), Labcorp
Classification: Uncertain significance for Neuronopathy, distal hereditary motor, autosomal recessive 4; Charcot-Marie-Tooth disease recessive intermediate C. Last evaluated: 2017-07-15. Review status: criteria provided, single submitter. Criteria: Invitae Variant Classification Sherloc (09022015). Collection method: clinical testing. Allele origin: germline.
Comment: This sequence change replaces phenylalanine with leucine at codon 138 of the PLEKHG5 protein (p.Phe138Leu). The phenylalanine residue is moderately conserved and there is a small physicochemical difference between phenylalanine and leucine. This variant is not present in population databases (ExAC no frequency). This variant has not been reported in the literature in individuals with PLEKHG5-related disease. Algorithms developed to predict the effect of missense changes on protein structure and function (SIFT, PolyPhen-2, Align-GVGD) all suggest that this variant is likely to be tolerated, but these predictions have not been confirmed by published functional studies and their clinical significance is uncertain. In summary, the available evidence is currently insufficient to determine the role of this variant in disease. Therefore, it has been classified as a Variant of Uncertain Significance.

NM_020631.6(PLEKHG5):c.412T>C (p.Phe138Leu)

Gene: PLEKHG5 (pleckstrin homology and RhoGEF domain containing G5; minus strand). Cytogenetic location: 1p36.31.
Variant type: single nucleotide variant.
Coding change: c.412T>C on transcript NM_020631.6 (MANE Select); coding-DNA position 412, T replaced by C.
Protein change: p.Phe138Leu; replaces phenylalanine 138 with leucine.
Molecular consequence: missense variant.
Genome position (GRCh38, 1-based): chr1:6,474,478, A>G on the plus strand (T>C on the coding strand, the complement: PLEKHG5 is on the minus strand). VCF-style: chr1-6474478-A-G. GRCh37 (hg19) VCF-style: chr1-6534538-A-G.
Other names: c.523T>C, p.Phe175Leu (NM_001042663.3, NM_001265592.2); c.412T>C, p.Phe138Leu (NM_001042664.2, NM_001042665.2, NM_001265594.3 and 1 more transcripts); c.619T>C, p.Phe207Leu (NM_001265593.2); short protein forms F138L, F207L, F175L.
Identifiers: ClinVar variation 468914 (VCV000468914.9), dbSNP rs1302453044, ClinGen allele CA338139122.